The following is an entry in ClinVar:

ClinVar aggregate classification (germline): Uncertain significance (1 of 4 stars; one submission).

Submission:

Labcorp Genetics (formerly Invitae), Labcorp
Classification: Uncertain significance. Last evaluated: 2022-08-24. Review status: criteria provided, single submitter. Criteria: Invitae Variant Classification Sherloc (09022015). Collection method: clinical testing. Allele origin: unknown.
Comment: A copy number gain of the genomic region encompassing the full coding sequence of the IMPDH1 gene has been identified. The boundaries of this event are unknown as they extend beyond the assayed region for this gene and therefore may encompass additional genes. As the precise location of this event is unknown, it may be in tandem or it may be located elsewhere in the genome. This variant has not been reported in the literature in individuals affected with IMPDH1-related conditions. In summary, the available evidence is currently insufficient to determine the role of this variant in disease. Therefore, it has been classified as a Variant of Uncertain Significance.

NC_000007.13:g.(?_128033061)_(128049955_?)dup

Gene: IMPDH1 (inosine monophosphate dehydrogenase 1; minus strand). Cytogenetic location: 7q32.1.
Variant type: Duplication.
Identifiers: ClinVar variation 3245857 (VCV003245857.1).